The following is an entry in ClinVar:

NM_003490.4(SYN3):c.1328G>A (p.Arg443His)

Gene: SYN3 (synapsin III; minus strand). Cytogenetic location: 22q12.3.
Variant type: single nucleotide variant.
Coding change: c.1328G>A on transcript NM_003490.4 (MANE Select); coding-DNA position 1328, G replaced by A.
Protein change: p.Arg443His; replaces arginine 443 with histidine.
Molecular consequence: missense variant. On other transcripts: intron variant (1).
Genome position (GRCh38, 1-based): chr22:32,518,325, C>T on the plus strand (G>A on the coding strand, the complement: SYN3 is on the minus strand). VCF-style: chr22-32518325-C-T. GRCh37 (hg19) VCF-style: chr22-32914312-C-T.
Other names: c.1325G>A, p.Arg442His (NM_001135774.2, NM_001369909.1, NM_001369910.1); c.1328G>A, p.Arg443His (NM_001369907.1, NM_001369908.1); c.1319-4501G>A (NM_133633.3); short protein forms R443H, R442H.
Identifiers: ClinVar variation 785839 (VCV000785839.30), dbSNP rs150768274, ClinGen allele CA10201896.

ClinVar aggregate classification (germline): Benign/Likely benign. Review status: criteria provided, multiple submitters, no conflicts (2 of 4 stars). 4 submissions from 4 submitters: Benign (2); Likely benign (2). Last evaluated 2025-08-18.

Allele frequency attached by ClinVar (database versions not stated): 1000 Genomes Project 0.00220; 1000 Genomes Project 30x 0.00234; TOPMed 0.00487; gnomAD 0.00556 and 0.00561; gnomAD exomes 0.00577; ExAC 0.00599; ESP Exome Variant Server 0.00623.
gnomAD v4.1: 9,945 of 1,607,586 alleles (0.62%); highest among the groups gnomAD compares: Middle Eastern, 0.75%; 35 homozygotes.

Submissions (4):

Genomic Medicine Center of Excellence, King Faisal Specialist Hospital and Research Centre
Classification: Likely benign. Last evaluated: 2025-08-18. Review status: criteria provided, single submitter. Criteria: ACMG Guidelines, 2015. Collection method: clinical testing. Allele origin: germline.

CeGaT Center for Human Genetics Tuebingen
Classification: Likely benign. Last evaluated: 2023-07-01. Review status: criteria provided, single submitter. Criteria: CeGaT Center For Human Genetics Tuebingen Variant Classification Criteria Version 2. Collection method: clinical testing. Allele origin: germline. Affected: yes. Observed: 1 variant allele.
Comment: SYN3: BS2

Labcorp Genetics (formerly Invitae), Labcorp
Classification: Benign. Last evaluated: 2019-12-31. Review status: criteria provided, single submitter. Criteria: Invitae Variant Classification Sherloc (09022015). Collection method: clinical testing. Allele origin: germline.

Breakthrough Genomics
Classification: Benign. Review status: criteria provided, single submitter. Criteria: ACMG Guidelines, 2015. Collection method: not provided. Allele origin: germline. Inheritance: Unknown mechanism. Affected: yes.